The following is an entry in ClinVar:

ClinVar aggregate classification (germline): Uncertain significance (1 of 4 stars; one submission).

Conditions:
Disseminated atypical mycobacterial infection. Identifiers: MedGen C0694566.

gnomAD v4.1: 1 of 1,612,276 alleles (0.000062%); highest among the groups gnomAD compares: East Asian, 0.0022%; no homozygotes.

Submission:

Labcorp Genetics (formerly Invitae), Labcorp
Classification: Uncertain significance for Disseminated atypical mycobacterial infection. Last evaluated: 2025-01-13. Review status: criteria provided, single submitter. Criteria: Invitae Variant Classification Sherloc (09022015). Collection method: clinical testing. Allele origin: germline.
Comment: This sequence change replaces threonine, which is neutral and polar, with arginine, which is basic and polar, at codon 189 of the IFNGR1 protein (p.Thr189Arg). This variant is not present in population databases (gnomAD no frequency). This variant has not been reported in the literature in individuals affected with IFNGR1-related conditions. Invitae Evidence Modeling of protein sequence and biophysical properties (such as structural, functional, and spatial information, amino acid conservation, physicochemical variation, residue mobility, and thermodynamic stability) indicates that this missense variant is not expected to disrupt IFNGR1 protein function with a negative predictive value of 80%. In summary, the available evidence is currently insufficient to determine the role of this variant in disease. Therefore, it has been classified as a Variant of Uncertain Significance.

NM_000416.3(IFNGR1):c.566C>G (p.Thr189Arg)

Gene: IFNGR1 (interferon gamma receptor 1; minus strand). Cytogenetic location: 6q23.3.
Variant type: single nucleotide variant.
Coding change: c.566C>G on transcript NM_000416.3 (MANE Select); coding-DNA position 566, C replaced by G.
Protein change: p.Thr189Arg; replaces threonine 189 with arginine.
Molecular consequence: missense variant.
Genome position (GRCh38, 1-based): chr6:137,203,666, G>C on the plus strand (C>G on the coding strand, the complement: IFNGR1 is on the minus strand). VCF-style: chr6-137203666-G-C. GRCh37 (hg19) VCF-style: chr6-137524803-G-C.
Other names: c.536C>G, p.Thr179Arg (NM_001363526.1); c.443C>G, p.Thr148Arg (NM_001363527.1); short protein forms T148R, T179R, T189R.
Identifiers: ClinVar variation 3608924 (VCV003608924.2).
Genomic context (GRCh38, chr6:137,203,666, plus strand): 5'-AGTGAGGATACTGGAATCGCTAACTGGCACTGAATCTCGTCACAATCATCTTCCTTCTGC[G>C]TGAGTATTTTATACTGGATCTAGATGAAAAAAGAAAACAGTGAAAATGCACAGCTTCTTT-3'
Protein context (NP_000407.1, residues 179-199): NGSEIQYKIL[Thr189Arg]QKEDDCDEIQ